The following is an entry in ClinVar:

ClinVar aggregate classification (germline): Likely benign (0 of 4 stars; one submission).

Conditions:
DNMT3A-related disorder. Also called: DNMT3A-related condition; DNMT3A-related disorders.

gnomAD v4.1: 3 of 490,756 alleles (0.00061%); highest among the groups gnomAD compares: Middle Eastern, 0.053%; no homozygotes.

Submission:

PreventionGenetics, part of Exact Sciences
Classification: Likely benign for DNMT3A-related condition. Last evaluated: 2019-06-06. Review status: no assertion criteria provided. Collection method: clinical testing. Allele origin: germline.
Comment: This variant is classified as likely benign based on ACMG/AMP sequence variant interpretation guidelines (Richards et al. 2015 PMID: 25741868, with internal and published modifications).

NM_022552.5(DNMT3A):c.640-3690G>A

Gene: DNMT3A (DNA methyltransferase 3 alpha; minus strand). Cytogenetic location: 2p23.3.
Variant type: single nucleotide variant.
Coding change: c.640-3690G>A on transcript NM_022552.5 (MANE Select); 3690 bases into the intron before coding-DNA position 640, G replaced by A.
Molecular consequence: intron variant. On other transcripts: synonymous variant (1).
Genome position (GRCh38, 1-based): chr2:25,251,942, C>T on the plus strand (G>A on the coding strand, the complement: DNMT3A is on the minus strand). VCF-style: chr2-25251942-C-T. GRCh37 (hg19) VCF-style: chr2-25474811-C-T.
Other names: c.153G>A, p.Arg51= (NM_001320893.1); c.640-3690G>A (NM_175629.2); c.4+252G>A (NM_153759.3); c.-31+252G>A (NM_001375819.1).
Identifiers: ClinVar variation 3350283 (VCV003350283.1).